The following is an entry in ClinVar:

ClinVar aggregate classification (germline): Uncertain significance (1 of 4 stars; one submission).

gnomAD v4.1: 3 of 1,577,856 alleles (0.00019%); highest among the groups gnomAD compares: Admixed American, 0.0018%; no homozygotes.

Submission:

Labcorp Genetics (formerly Invitae), Labcorp
Classification: Uncertain significance. Last evaluated: 2023-08-24. Review status: criteria provided, single submitter. Criteria: Invitae Variant Classification Sherloc (09022015). Collection method: clinical testing. Allele origin: germline.
Comment: In summary, the available evidence is currently insufficient to determine the role of this variant in disease. Therefore, it has been classified as a Variant of Uncertain Significance. An algorithm developed to predict the effect of missense changes on protein structure and function (PolyPhen-2) suggests that this variant is likely to be tolerated. ClinVar contains an entry for this variant (Variation ID: 2081833). This variant has not been reported in the literature in individuals affected with DNAJC21-related conditions. This variant is present in population databases (rs779102555, gnomAD 0.003%). This sequence change replaces valine, which is neutral and non-polar, with leucine, which is neutral and non-polar, at codon 10 of the DNAJC21 protein (p.Val10Leu).

NM_001012339.3(DNAJC21):c.28G>T (p.Val10Leu)

Genes: DNAJC21 (DnaJ heat shock protein family (Hsp40) member C21; plus strand), LOC129993792 (ATAC-STARR-seq lymphoblastoid silent region 15969; plus strand). Cytogenetic location: 5p13.2.
Variant type: single nucleotide variant.
Coding change: c.28G>T on transcript NM_001012339.3 (MANE Select); coding-DNA position 28, G replaced by T.
Protein change: p.Val10Leu; replaces valine 10 with leucine.
Molecular consequence: missense variant.
Genome position (GRCh38, 1-based): chr5:34,929,847, G>T. VCF-style: chr5-34929847-G-T. GRCh37 (hg19) VCF-style: chr5-34929952-G-T.
Other names: c.28G>T, p.Val10Leu (NM_001348420.2, NM_194283.4); short protein forms V10L.
Identifiers: ClinVar variation 2081833 (VCV002081833.4), dbSNP rs779102555, ClinGen allele CA3228309.